The following is an entry in ClinVar:

ClinVar aggregate classification (germline): Uncertain significance. Review status: criteria provided, multiple submitters, no conflicts (2 of 4 stars). 2 submissions from 2 submitters: Uncertain significance (2). Last evaluated 2026-10-14.

Conditions:
Episodic ataxia type 2 (EA2). Also called: ACETAZOLAMIDE-RESPONSIVE HEREDITARY PAROXYSMAL CEREBELLAR ATAXIA; ATAXIA, EPISODIC, WITH NYSTAGMUS; ATAXIA, FAMILIAL PAROXYSMAL; CEREBELLAR ATAXIA, PAROXYSMAL, ACETAZOLAMIDE-RESPONSIVE; CEREBELLOPATHY, HEREDITARY PAROXYSMAL; EPISODIC ATAXIA, NYSTAGMUS-ASSOCIATED. Identifiers: Orphanet 97, MedGen C1720416, MONDO:0007163, OMIM 108500.
Developmental and epileptic encephalopathy, 42 (DEE42A). Also called: Epileptic encephalopathy, early infantile, 42; DEVELOPMENTAL AND EPILEPTIC ENCEPHALOPATHY 42A; EPILEPTIC ENCEPHALOPATHY, EARLY INFANTILE, 42A. Identifiers: MedGen C4310716, MONDO:0014917, OMIM 617106.

Allele frequency attached by ClinVar (database versions not stated): TOPMed below 0.00001; ExAC 0.00001; gnomAD exomes below 0.00001.
gnomAD v4.1: 3 of 1,613,684 alleles (0.00019%); highest among the groups gnomAD compares: Non-Finnish European, 0.00017%; no homozygotes.

Submissions (2):

GeneDx
Classification: Uncertain significance. Last evaluated: 2026-10-14. Review status: criteria provided, single submitter. Criteria: GeneDx Variant Classification Process June 2021. Collection method: clinical testing. Allele origin: germline.
Comment: Not observed at significant frequency in large population cohorts (gnomAD); In silico analysis supports that this missense variant has a deleterious effect on protein structure/function; Has not been previously published as pathogenic or benign to our knowledge

Labcorp Genetics (formerly Invitae), Labcorp
Classification: Uncertain significance for Developmental and epileptic encephalopathy, 42; Episodic ataxia type 2. Last evaluated: 2022-10-14. Review status: criteria provided, single submitter. Criteria: Invitae Variant Classification Sherloc (09022015). Collection method: clinical testing. Allele origin: germline.
Comment: This variant is present in population databases (rs770276164, gnomAD 0.0009%). In summary, the available evidence is currently insufficient to determine the role of this variant in disease. Therefore, it has been classified as a Variant of Uncertain Significance. Advanced modeling of protein sequence and biophysical properties (such as structural, functional, and spatial information, amino acid conservation, physicochemical variation, residue mobility, and thermodynamic stability) performed at Invitae indicates that this missense variant is not expected to disrupt CACNA1A protein function. This variant has not been reported in the literature in individuals affected with CACNA1A-related conditions. This sequence change replaces arginine, which is basic and polar, with glutamine, which is neutral and polar, at codon 1740 of the CACNA1A protein (p.Arg1740Gln).

NM_001127222.2(CACNA1A):c.5216G>A (p.Arg1739Gln)

Gene: CACNA1A (calcium voltage-gated channel subunit alpha1 A; minus strand). Cytogenetic location: 19p13.13.
Variant type: single nucleotide variant.
Coding change: c.5216G>A on transcript NM_001127222.2 (MANE Select); coding-DNA position 5216, G replaced by A.
Protein change: p.Arg1739Gln; replaces arginine 1739 with glutamine.
Molecular consequence: missense variant.
Genome position (GRCh38, 1-based): chr19:13,234,954, C>T on the plus strand (G>A on the coding strand, the complement: CACNA1A is on the minus strand). VCF-style: chr19-13234954-C-T. GRCh37 (hg19) VCF-style: chr19-13345768-C-T.
Other names: c.5234G>A, p.Arg1745Gln (NM_000068.4, NM_023035.3); c.5219G>A, p.Arg1740Gln (NM_001127221.2); c.5225G>A, p.Arg1742Gln (NM_001174080.2); short protein forms R1742Q, R1739Q, R1740Q, R1745Q.
Identifiers: ClinVar variation 1954394 (VCV001954394.7), dbSNP rs770276164, ClinGen allele CA9239798.